The following is an entry in ClinVar:

ClinVar aggregate classification (germline): Uncertain significance (1 of 4 stars; one submission).

Submission:

GeneDx
Classification: Uncertain significance. Last evaluated: 2022-07-25. Review status: criteria provided, single submitter. Criteria: GeneDx Variant Classification Process June 2021. Collection method: clinical testing. Allele origin: germline. Affected: yes.
Comment: Not observed at significant frequency in large population cohorts (gnomAD); In silico analysis supports that this missense variant does not alter protein structure/function; Has not been previously published as pathogenic or benign to our knowledge

NM_001042750.2(STAG2):c.3613G>A (p.Glu1205Lys)

Gene: STAG2 (STAG2 cohesin complex component; plus strand). Cytogenetic location: Xq25.
Variant type: single nucleotide variant.
Coding change: c.3613G>A on transcript NM_001042750.2 (MANE Select); coding-DNA position 3613, G replaced by A.
Protein change: p.Glu1205Lys; replaces glutamic acid 1205 with lysine.
Molecular consequence: missense variant.
Genome position (GRCh38, 1-based): chrX:124,094,052, G>A. VCF-style: chrX-124094052-G-A. GRCh37 (hg19) VCF-style: chrX-123227902-G-A.
Other names: c.3613G>A, p.Glu1205Lys (NM_001042749.2, NM_001375366.1, NM_001375367.1 and 5 more transcripts); c.3502G>A, p.Glu1168Lys (NM_001042751.2, NM_001282418.2, NM_001375373.1 and 5 more transcripts); short protein forms E1168K, E1205K.
Identifiers: ClinVar variation 2412901 (VCV002412901.3), dbSNP rs927258952, ClinGen allele CA335281633.